The following is an entry in ClinVar:

NM_000337.6(SGCD):c.92G>A (p.Arg31Gln)

Gene: SGCD (sarcoglycan delta; plus strand). Cytogenetic location: 5q33.3.
Variant type: single nucleotide variant.
Coding change: c.92G>A on transcript NM_000337.6 (MANE Select); coding-DNA position 92, G replaced by A.
Protein change: p.Arg31Gln; replaces arginine 31 with glutamine.
Molecular consequence: missense variant.
Genome position (GRCh38, 1-based): chr5:156,344,577, G>A. VCF-style: chr5-156344577-G-A. GRCh37 (hg19) VCF-style: chr5-155771587-G-A.
Other names: p.R31Q:CGG>CAG; c.89G>A, p.Arg30Gln (NM_001128209.2); c.92G>A, p.Arg31Gln (NM_172244.3); short protein forms R31Q, R30Q.
Identifiers: ClinVar variation 196255 (VCV000196255.40), dbSNP rs200476861, ClinGen allele CA302926.

ClinVar aggregate classification (germline): Conflicting classifications of pathogenicity. Review status: criteria provided, conflicting classifications (1 of 4 stars). 17 submissions from 16 submitters: Uncertain significance (13); Likely benign (1). 3 of the submissions do not count toward it. Last evaluated 2025-03-06.

Conditions:
Dilated cardiomyopathy 1L (CMD1L). Identifiers: Orphanet 154, MedGen C1847667, MONDO:0011702, OMIM 606685.
Autosomal recessive limb-girdle muscular dystrophy type 2F (LGMDR6). Also called: Muscular dystrophy limb-girdle with delta-sarcoglyan deficiency; MUSCULAR DYSTROPHY, LIMB-GIRDLE, AUTOSOMAL RECESSIVE 6. Identifiers: Orphanet 219, MedGen C1832525, MONDO:0011028, OMIM 601287. Disease mechanism: Affects gamma-sarcoglycan and also disrupts the integrity of the entire sarcoglycan complex..
Qualitative or quantitative defects of delta-sarcoglycan. Identifiers: Orphanet 207070, MedGen C5680806, MONDO:0016144.
Cardiomyopathy (CMYO). Also called: Cardiomyopathies. Identifiers: Orphanet 167848, MedGen C0878544, MONDO:0004994, HP:0001638. Inheritance: Various modes of inheritance.

Allele frequency attached by ClinVar (database versions not stated): gnomAD 0.00015 and 0.00016; ESP Exome Variant Server 0.00016; gnomAD exomes 0.00017 and 0.00029; ExAC 0.00018; TOPMed 0.00021.
gnomAD v4.1: 445 of 1,612,024 alleles (0.028%); highest among the groups gnomAD compares: Non-Finnish European, 0.035%; no homozygotes.

Submissions (17):

Revvity Omics, Revvity
Classification: Uncertain significance. Last evaluated: 2025-03-06. Review status: criteria provided, single submitter. Criteria: ACMG Guidelines, 2015. Collection method: clinical testing. Allele origin: germline.

Mayo Clinic Laboratories, Mayo Clinic
Classification: Uncertain significance. Last evaluated: 2025-02-25. Review status: criteria provided, single submitter. Criteria: ACMG Guidelines, 2015. Collection method: clinical testing. Allele origin: germline. Observed: 2 variant alleles.
Comment: PP3

GeneDx
Classification: Uncertain significance. Last evaluated: 2024-11-26. Review status: criteria provided, single submitter. Criteria: GeneDx Variant Classification Process June 2021. Collection method: clinical testing. Allele origin: germline. Affected: yes.
Comment: In silico analysis supports that this missense variant has a deleterious effect on protein structure/function; Identified in an individual who died of sudden cardiac death (PMID: 33919104); This variant is associated with the following publications: (PMID: 30564623, Pourebrahim2021[article], 33919104)

Blueprint Genetics
Classification: Uncertain significance. Last evaluated: 2024-07-05. Review status: criteria provided, single submitter. Criteria: ACMG Guidelines, 2015. Collection method: clinical testing. Allele origin: germline.

Women's Health and Genetics/Laboratory Corporation of America, LabCorp
Classification: Likely benign. Last evaluated: 2023-12-04. Review status: criteria provided, single submitter. Criteria: LabCorp Variant Classification Summary - May 2015. Collection method: clinical testing. Allele origin: germline.
Comment: Variant summary: SGCD c.92G>A (p.Arg31Gln) results in a conservative amino acid change in the encoded protein sequence. Four of five in-silico tools predict a damaging effect of the variant on protein function. The variant allele was found at a frequency of 0.00017 in 247440 control chromosomes, predominantly at a frequency of 0.00034 within the Non-Finnish European subpopulation in the gnomAD database. The observed variant frequency within Non-Finnish European control individuals in the gnomAD database is approximately 13.6 fold of the estimated maximal expected allele frequency for a pathogenic variant in SGCD causing Cardiomyopathy phenotype (2.5e-05), strongly suggesting that the variant is a benign polymorphism found primarily in populations of Non-Finnish European origin. c.92G>A has been reported in the literature in individuals affected with dilated cardiomyopathy or sudden cardiac death with left ventricular hypertrophy without evidence of cosegregation with disease (Pourebrahim_2021, Iglesias_2021). These reports do not provide unequivocal conclusions about association of the variant with Cardiomyopathy. To our knowledge, no experimental evidence demonstrating an impact on protein function has been reported. The following publications have been ascertained in the context of this evaluation (PMID: 33919104, 34790974). 11 submitters have cited clinical-significance assessments for this variant to ClinVar after 2014. All submitters classified the variant as uncertain significance. Based on the evidence outlined above, the variant was classified as likely benign.

Genome-Nilou Lab
Classification: Uncertain significance for Autosomal recessive limb-girdle muscular dystrophy type 2F. Last evaluated: 2023-02-08. Review status: criteria provided, single submitter. Criteria: ACMG Guidelines, 2015. Collection method: clinical testing. Allele origin: germline.

Genome-Nilou Lab
Classification: Uncertain significance for Dilated cardiomyopathy 1L. Last evaluated: 2023-02-08. Review status: criteria provided, single submitter. Criteria: ACMG Guidelines, 2015. Collection method: clinical testing. Allele origin: germline.

Labcorp Genetics (formerly Invitae), Labcorp
Classification: Uncertain significance for Autosomal recessive limb-girdle muscular dystrophy type 2F. Last evaluated: 2022-09-06. Review status: criteria provided, single submitter. Criteria: Invitae Variant Classification Sherloc (09022015). Collection method: clinical testing. Allele origin: germline.
Comment: This sequence change replaces arginine, which is basic and polar, with glutamine, which is neutral and polar, at codon 31 of the SGCD protein (p.Arg31Gln). This variant is present in population databases (rs200476861, gnomAD 0.03%). This variant has not been reported in the literature in individuals affected with SGCD-related conditions. ClinVar contains an entry for this variant (Variation ID: 196255). Algorithms developed to predict the effect of missense changes on protein structure and function are either unavailable or do not agree on the potential impact of this missense change (SIFT: "Deleterious"; PolyPhen-2: "Probably Damaging"; Align-GVGD: "Class C0"). Algorithms developed to predict the effect of sequence changes on RNA splicing suggest that this variant may create or strengthen a splice site. In summary, the available evidence is currently insufficient to determine the role of this variant in disease. Therefore, it has been classified as a Variant of Uncertain Significance.

Institute for Clinical Genetics, University Hospital TU Dresden, University Hospital TU Dresden
Classification: Uncertain significance. Last evaluated: 2021-11-03. Review status: criteria provided, single submitter. Criteria: ACMG Guidelines, 2015. Collection method: clinical testing. Allele origin: germline.

Fulgent Genetics
Classification: Uncertain significance for Autosomal recessive limb-girdle muscular dystrophy type 2F; Dilated cardiomyopathy 1L. Last evaluated: 2021-08-03. Review status: criteria provided, single submitter. Criteria: ACMG Guidelines, 2015. Collection method: clinical testing. Allele origin: unknown.

Center for Advanced Laboratory Medicine, UC San Diego Health, University of California San Diego
Classification: Uncertain significance for Cardiomyopathy. Last evaluated: 2019-02-05. Review status: criteria provided, single submitter. Criteria: ACMG Guidelines, 2015. Collection method: clinical testing. Allele origin: germline. Affected: yes. Observed: 1 variant allele.

Laboratory for Molecular Medicine, Mass General Brigham Personalized Medicine
Classification: Uncertain significance. Last evaluated: 2018-10-11. Review status: criteria provided, single submitter. Criteria: LMM Criteria. Collection method: clinical testing. Allele origin: germline. Observed: 2 variant alleles.
Comment: The p.Arg31Gln variant in SGCD has not been previously reported in individuals w ith cardiomyopathy, but has been identified in 0.03% (39/126184) of European chr omosomes by gnomAD. Computational prediction tools and conservation analysis suggest that this variant may impact the protein , though this information is not predictive enough to determine pathogenicity. I n summary, the clinical significance of the p.Arg31Gln variant is uncertain. ACM G/AMP Criteria applied: BS1_Supporting, PP3.

Eurofins Ntd Llc (ga)
Classification: Uncertain significance. Last evaluated: 2018-08-13. Review status: criteria provided, single submitter. Criteria: EGL ClinVar v180209 classification definitions. Collection method: clinical testing. Allele origin: germline. Observed: 7 variant alleles, 7 heterozygotes.

Illumina Laboratory Services, Illumina
Classification: Uncertain significance for Qualitative or quantitative defects of delta-sarcoglycan. Last evaluated: 2018-01-12. Review status: criteria provided, single submitter. Criteria: ICSL Variant Classification Criteria 13 December 2019. Collection method: clinical testing. Allele origin: germline.

Clinical Genetics DNA and cytogenetics Diagnostics Lab, Erasmus MC, Erasmus Medical Center
Classification: Uncertain significance. Review status: no assertion criteria provided. Collection method: clinical testing. Allele origin: germline. Affected: yes. Study: VKGL Data-share Consensus. Not counted in ClinVar's aggregate classification.

Diagnostic Laboratory, Department of Genetics, University Medical Center Groningen
Classification: Uncertain significance. Review status: no assertion criteria provided. Collection method: clinical testing. Allele origin: germline. Affected: yes. Study: VKGL Data-share Consensus. Not counted in ClinVar's aggregate classification.

Genome Diagnostics Laboratory, University Medical Center Utrecht
Classification: Uncertain significance. Review status: no assertion criteria provided. Collection method: clinical testing. Allele origin: germline. Affected: yes. Study: VKGL Data-share Consensus. Not counted in ClinVar's aggregate classification.

Literature cited by the submitters: PubMed 33919104 (cited by Mayo Clinic Laboratories, Mayo Clinic and Women's Health and Genetics/Laboratory Corporation of America, LabCorp); PubMed 34790974 (cited by Mayo Clinic Laboratories, Mayo Clinic and Women's Health and Genetics/Laboratory Corporation of America, LabCorp).